The following is an entry in ClinVar:

ClinVar aggregate classification (germline): Likely benign (1 of 4 stars; one submission).

Allele frequency attached by ClinVar (database versions not stated): gnomAD 0.00005; TOPMed 0.00005; ESP Exome Variant Server 0.00008; gnomAD exomes 0.00008; ExAC 0.00030.
gnomAD v4.1: 121 of 1,587,830 alleles (0.0076%); highest among the groups gnomAD compares: Middle Eastern, 0.05%; no homozygotes.

Submission:

CeGaT Center for Human Genetics Tuebingen
Classification: Likely benign. Last evaluated: 2022-07-01. Review status: criteria provided, single submitter. Criteria: CeGaT Center For Human Genetics Tuebingen Variant Classification Criteria Version 2. Collection method: clinical testing. Allele origin: germline. Affected: yes. Observed: 1 variant allele.
Comment: ATG9B: BP4, BP7

NM_001317056.2(ATG9B):c.1047G>A (p.Pro349=)

Gene: ATG9B (autophagy related 9B; minus strand). Cytogenetic location: 7q36.1.
Variant type: single nucleotide variant.
Coding change: c.1047G>A on transcript NM_001317056.2 (MANE Select); coding-DNA position 1047, G replaced by A.
Protein change: p.Pro349=; no amino-acid change (proline 349 retained).
Molecular consequence: synonymous variant. On other transcripts: non-coding transcript variant (1).
Genome position (GRCh38, 1-based): chr7:151,019,291, C>T on the plus strand (G>A on the coding strand, the complement: ATG9B is on the minus strand). VCF-style: chr7-151019291-C-T. GRCh37 (hg19) VCF-style: chr7-150716378-C-T.
Other names: c.1047G>A, p.Pro349= (NM_173681.5).
Identifiers: ClinVar variation 2658174 (VCV002658174.24), dbSNP rs374638573, ClinGen allele CA4568239.